The following is an entry in ClinVar:

NC_000008.10:g.(?_77892493)_(77912525_?)del

Gene: PEX2 (peroxisomal biogenesis factor 2; minus strand). Cytogenetic location: 8q21.11.
Variant type: Deletion.
Identifiers: ClinVar variation 1722347 (VCV001722347.1).

ClinVar aggregate classification (germline): Pathogenic (1 of 4 stars; one submission).

Conditions:
Peroxisome biogenesis disorder. Identifiers: Orphanet 79189, MedGen C1832200, MONDO:0019234. Disease mechanism: loss of function.

Submission:

Women's Health and Genetics/Laboratory Corporation of America, LabCorp
Classification: Pathogenic for Peroxisome biogenesis disorder. Last evaluated: 2022-09-02. Review status: criteria provided, single submitter. Criteria: LabCorp Variant Classification Summary - May 2015. Collection method: clinical testing. Allele origin: germline.
Comment: Variant summary: The variant identified by MLPA or other technology involves the deletion of exons 1-4 (i.e. the full coding sequence) of the PEX2 gene. A presumed nomenclature of c.(?_-459)_(*3004_?)del has been designated for the purposes of this classification. Since exact breakpoints of this deletion are not known, it might extend beyond the assayed region of the PEX2 gene, including other flanking genes. The variant was absent in 21694 control chromosomes (gnomAD structural variants dataset). To our knowledge, no occurrence of c.(?_-459)_(*3004_?)del in individuals affected with Zellweger Syndrome and no experimental evidence demonstrating its impact on protein function have been reported. However, other loss of function variants in the PEX2 gene have been classified as pathogenic by our laboratory. No clinical diagnostic laboratories have submitted clinical-significance assessments for this variant to ClinVar after 2014. Based on the evidence outlined above, the variant was classified as pathogenic.